The following is an entry in ClinVar:

NM_183357.3(ADCY5):c.934G>T (p.Val312Phe)

Gene: ADCY5 (adenylate cyclase 5; minus strand). Cytogenetic location: 3q21.1.
Variant type: single nucleotide variant.
Coding change: c.934G>T on transcript NM_183357.3 (MANE Select); coding-DNA position 934, G replaced by T.
Protein change: p.Val312Phe; replaces valine 312 with phenylalanine.
Molecular consequence: missense variant.
Genome position (GRCh38, 1-based): chr3:123,447,612, C>A on the plus strand (G>T on the coding strand, the complement: ADCY5 is on the minus strand). VCF-style: chr3-123447612-C-A. GRCh37 (hg19) VCF-style: chr3-123166459-C-A.
Other names: c.934G>T, p.Val312Phe (NM_001378259.1); short protein forms V312F.
Identifiers: ClinVar variation 1999635 (VCV001999635.4), dbSNP rs2473325752, ClinGen allele CA354356296.

ClinVar aggregate classification (germline): Uncertain significance (1 of 4 stars; one submission).

gnomAD v4.1: 1 of 1,607,368 alleles (0.000062%); no homozygotes.

Submission:

Labcorp Genetics (formerly Invitae), Labcorp
Classification: Uncertain significance. Last evaluated: 2024-08-13. Review status: criteria provided, single submitter. Criteria: Invitae Variant Classification Sherloc (09022015). Collection method: clinical testing. Allele origin: germline.
Comment: This sequence change replaces valine, which is neutral and non-polar, with phenylalanine, which is neutral and non-polar, at codon 312 of the ADCY5 protein (p.Val312Phe). This variant is not present in population databases (gnomAD no frequency). This variant has not been reported in the literature in individuals affected with ADCY5-related conditions. ClinVar contains an entry for this variant (Variation ID: 1999635). Advanced modeling of protein sequence and biophysical properties (such as structural, functional, and spatial information, amino acid conservation, physicochemical variation, residue mobility, and thermodynamic stability) performed at Invitae indicates that this missense variant is not expected to disrupt ADCY5 protein function with a negative predictive value of 95%. In summary, the available evidence is currently insufficient to determine the role of this variant in disease. Therefore, it has been classified as a Variant of Uncertain Significance.